The following is an entry in ClinVar:

ClinVar aggregate classification (germline): Benign/Likely benign. Review status: criteria provided, multiple submitters, no conflicts (2 of 4 stars). 2 submissions from 2 submitters: Benign (1); Likely benign (1). Last evaluated 2026-08-01.

Allele frequency attached by ClinVar (database versions not stated): ESP Exome Variant Server 0.00056; TOPMed 0.00072; gnomAD 0.00102; gnomAD exomes 0.00139; 1000 Genomes Project 30x 0.00219; 1000 Genomes Project 0.00220; ExAC 0.00236.
gnomAD v4.1: 2,205 of 1,612,482 alleles (0.14%); highest among the groups gnomAD compares: South Asian, 1.1%; 16 homozygotes.

Submissions (2):

CeGaT Center for Human Genetics Tuebingen
Classification: Benign. Last evaluated: 2026-08-01. Review status: criteria provided, single submitter. Criteria: CeGaT Center For Human Genetics Tuebingen Variant Classification Criteria Version 2. Collection method: clinical testing. Allele origin: germline. Affected: yes. Observed: 14 variant alleles.
Comment: CUX2: BP4, BP7, BS1, BS2

Blueprint Genetics
Classification: Likely benign. Last evaluated: 2024-10-30. Review status: criteria provided, single submitter. Criteria: ACMG Guidelines, 2015. Collection method: clinical testing. Allele origin: germline.

NM_015267.4(CUX2):c.1944C>T (p.Asp648=)

Gene: CUX2 (cut like homeobox 2; plus strand). Cytogenetic location: 12q24.12.
Variant type: single nucleotide variant.
Coding change: c.1944C>T on transcript NM_015267.4 (MANE Select); coding-DNA position 1944, C replaced by T.
Protein change: p.Asp648=; no amino-acid change (aspartic acid 648 retained).
Molecular consequence: synonymous variant.
Genome position (GRCh38, 1-based): chr12:111,312,143, C>T. VCF-style: chr12-111312143-C-T. GRCh37 (hg19) VCF-style: chr12-111749947-C-T.
Other names: c.1758C>T, p.Asp586= (NM_001370598.1).
Identifiers: ClinVar variation 2643298 (VCV002643298.25), dbSNP rs199957017, ClinGen allele CA6788771.